The following is an entry in ClinVar:

ClinVar aggregate classification (germline): Conflicting classifications of pathogenicity. Review status: criteria provided, conflicting classifications (1 of 4 stars). 2 submissions from 2 submitters: Uncertain significance (1); Likely benign (1). Last evaluated 2024-11-15.

Conditions:
Inborn genetic diseases. Identifiers: MedGen C0950123, MeSH D030342.

Allele frequency attached by ClinVar (database versions not stated): TOPMed 0.00006; gnomAD 0.00007; ExAC 0.00008; ESP Exome Variant Server 0.00008; gnomAD exomes 0.00012; 1000 Genomes Project 30x 0.00016; 1000 Genomes Project 0.00020.

Submissions (2):

Labcorp Genetics (formerly Invitae), Labcorp
Classification: Uncertain significance. Last evaluated: 2024-11-15. Review status: criteria provided, single submitter. Criteria: Invitae Variant Classification Sherloc (09022015). Collection method: clinical testing. Allele origin: germline.
Comment: This sequence change replaces arginine, which is basic and polar, with histidine, which is basic and polar, at codon 581 of the SLC34A1 protein (p.Arg581His). This variant is present in population databases (rs372860328, gnomAD 0.02%). This variant has not been reported in the literature in individuals affected with SLC34A1-related conditions. ClinVar contains an entry for this variant (Variation ID: 2391236). Invitae Evidence Modeling of protein sequence and biophysical properties (such as structural, functional, and spatial information, amino acid conservation, physicochemical variation, residue mobility, and thermodynamic stability) indicates that this missense variant is not expected to disrupt SLC34A1 protein function with a negative predictive value of 80%. In summary, the available evidence is currently insufficient to determine the role of this variant in disease. Therefore, it has been classified as a Variant of Uncertain Significance.

Ambry Genetics
Classification: Likely benign for Inborn genetic diseases. Last evaluated: 2022-01-18. Review status: criteria provided, single submitter. Criteria: Ambry Variant Classification Scheme 2023. Collection method: clinical testing. Allele origin: germline.

NM_003052.5(SLC34A1):c.1742G>A (p.Arg581His)

Gene: SLC34A1 (solute carrier family 34 member 1; plus strand). Cytogenetic location: 5q35.3.
Variant type: single nucleotide variant.
Coding change: c.1742G>A on transcript NM_003052.5 (MANE Select); coding-DNA position 1742, G replaced by A.
Protein change: p.Arg581His; replaces arginine 581 with histidine.
Molecular consequence: missense variant.
Genome position (GRCh38, 1-based): chr5:177,398,108, G>A. VCF-style: chr5-177398108-G-A. GRCh37 (hg19) VCF-style: chr5-176825109-G-A.
Other names: short protein forms R581H.
Identifiers: ClinVar variation 2391236 (VCV002391236.3), dbSNP rs372860328, ClinGen allele CA3580875.
Genomic context (GRCh38, chr5:177,398,108, plus strand): 5'-TGCAGAGTCGGAGTCCCGGGCACCTGCCCAAGTGGTTACAGACATGGGACTTCCTGCCTC[G>A]CTGGATGCACTCCCTGAAGCCCCTGGACCACCTCATCACCCGCGCCACCCTATGCTGTGC-3'
Protein context (NP_003043.3, residues 571-591): KWLQTWDFLP[Arg581His]WMHSLKPLDH